The following is an entry in ClinVar:

ClinVar aggregate classification (germline): Pathogenic (1 of 4 stars; one submission).

Allele frequency attached by ClinVar (database versions not stated): gnomAD exomes below 0.00001; TOPMed below 0.00001; ExAC 0.00001.
gnomAD v4.1: 1 of 1,612,976 alleles (0.000062%); highest among the groups gnomAD compares: Admixed American, 0.0017%; no homozygotes.

Submission:

Labcorp Genetics (formerly Invitae), Labcorp
Classification: Pathogenic. Last evaluated: 2021-12-27. Review status: criteria provided, single submitter. Criteria: Invitae Variant Classification Sherloc (09022015). Collection method: clinical testing. Allele origin: germline.
Comment: For these reasons, this variant has been classified as Pathogenic. This sequence change creates a premature translational stop signal (p.Trp414*) in the TYRP1 gene. It is expected to result in an absent or disrupted protein product. Loss-of-function variants in TYRP1 are known to be pathogenic (PMID: 8651291, 9345097). This variant is present in population databases (rs746050665, gnomAD 0.003%). This variant has not been reported in the literature in individuals affected with TYRP1-related conditions. Algorithms developed to predict the effect of sequence changes on RNA splicing suggest that this variant may create or strengthen a splice site.

Literature cited by the submitters: PubMed 8651291; PubMed 9345097.

NM_000550.3(TYRP1):c.1241G>A (p.Trp414Ter)

Genes: LURAP1L-AS1 (LURAP1L antisense RNA 1; minus strand), TYRP1 (tyrosinase related protein 1; plus strand). Cytogenetic location: 9p23.
Variant type: single nucleotide variant.
Coding change: c.1241G>A on transcript NM_000550.3 (MANE Select); coding-DNA position 1241, G replaced by A.
Protein change: p.Trp414Ter; replaces tryptophan 414 with a stop codon.
Molecular consequence: nonsense.
Genome position (GRCh38, 1-based): chr9:12,704,685, G>A. VCF-style: chr9-12704685-G-A. GRCh37 (hg19) VCF-style: chr9-12704685-G-A.
Other names: short protein forms W414*.
Identifiers: ClinVar variation 1949691 (VCV001949691.5), dbSNP rs746050665, ClinGen allele CA4985480.